The following is an entry in ClinVar:

ClinVar aggregate classification (germline): Pathogenic. Review status: criteria provided, multiple submitters, no conflicts (2 of 4 stars). 2 submissions from 2 submitters: Pathogenic (2). Last evaluated 2026-05-01.

Conditions:
Meckel syndrome, type 4 (MKS4). Also called: MECKEL-GRUBER SYNDROME, TYPE 4. Identifiers: Orphanet 564, MedGen C1970161, MONDO:0012626, OMIM 611134.
CEP290-related ciliopathy. Also called: CEP290 ciliopathy. Identifiers: MedGen CN305601, MONDO:0100451.

Submissions (2):

Women's Health and Genetics/Laboratory Corporation of America, LabCorp
Classification: Pathogenic for Meckel syndrome, type 4. Last evaluated: 2026-05-01. Review status: criteria provided, single submitter. Criteria: LabCorp Variant Classification Summary - May 2015. Collection method: clinical testing. Allele origin: germline.
Comment: Variant summary: CEP290 c.1513G>T (p.Glu505X) results in a premature termination codon, predicted to cause a truncation of the encoded protein or absence of the protein due to nonsense mediated decay, which are commonly known mechanisms for disease. The variant was absent in 175918 control chromosomes. To our knowledge, no occurrence of c.1513G>T in individuals affected with CEP290-related conditions and no experimental evidence demonstrating its impact on protein function have been reported. No submitters have cited clinical-significance assessments for this variant to ClinVar. Based on the evidence outlined above, the variant was classified as pathogenic.

Myriad Genetics, Inc.
Classification: Pathogenic for CEP290-related ciliopathy. Last evaluated: 2024-05-09. Review status: criteria provided, single submitter. Criteria: Myriad Autosomal Dominant, Autosomal Recessive and X-Linked Classification Criteria (2023). Collection method: clinical testing. Allele origin: unknown.
Comment: NM_025114.3(CEP290):c.1513G>T(E505*) is expected to be pathogenic in the context of CEP290-related disorders. This variant is predicted to lead to an abnormal or absent protein product due to the creation of a premature termination codon in CEP290, a gene where loss-of-function variants are known to be pathogenic. Please note: this variant was assessed in the context of healthy population screening.

NM_025114.4(CEP290):c.1513G>T (p.Glu505Ter)

Gene: CEP290 (centrosomal protein 290; minus strand). Cytogenetic location: 12q21.32.
Variant type: single nucleotide variant.
Coding change: c.1513G>T on transcript NM_025114.4 (MANE Select); coding-DNA position 1513, G replaced by T.
Protein change: p.Glu505Ter; replaces glutamic acid 505 with a stop codon.
Molecular consequence: nonsense.
Genome position (GRCh38, 1-based): chr12:88,120,123, C>A on the plus strand (G>T on the coding strand, the complement: CEP290 is on the minus strand). VCF-style: chr12-88120123-C-A. GRCh37 (hg19) VCF-style: chr12-88513900-C-A.
Other names: short protein forms E505*.
Identifiers: ClinVar variation 4853621 (VCV004853621.2).
Genomic context (GRCh38, chr12:88,120,123, plus strand): 5'-AAGACTTGTAAATCAGGTTGCGCAAACTATGTAACTTAAAACATGGCTTACCCACACGCT[C>A]TCTAAGTGCCTCATTTTCATCAAGGAAATCACTGATCTTCAATTCAAGTTTATTGATTTC-3'